The following is an entry in ClinVar:

ClinVar aggregate classification (germline): Uncertain significance (1 of 4 stars; one submission).

Conditions:
Cardiovascular phenotype. Identifiers: MedGen CN230736.

gnomAD v4.1: 1 of 1,614,068 alleles (0.000062%); highest among the groups gnomAD compares: Non-Finnish European, 0.000085%; no homozygotes.

Submission:

Ambry Genetics
Classification: Uncertain significance for Cardiovascular phenotype. Last evaluated: 2026-06-09. Review status: criteria provided, single submitter. Criteria: Ambry Variant Classification Scheme 2023. Collection method: clinical testing. Allele origin: germline.
Comment: The p.S2405N variant (also known as c.7214G>A), located in coding exon 38 of the ANK2 gene, results from a G to A substitution at nucleotide position 7214. The serine at codon 2405 is replaced by asparagine, an amino acid with highly similar properties. This amino acid position is conserved. In addition, this alteration is predicted to be tolerated by in silico analysis. Based on the available evidence, the clinical significance of this variant remains unclear.

NM_001148.6(ANK2):c.7214G>A (p.Ser2405Asn)

Genes: ANK2 (ankyrin 2; plus strand), LOC126807137 (CDK7 strongly-dependent group 2 enhancer GRCh37_chr4:114276560-114277759; plus strand). Cytogenetic location: 4q26.
Variant type: single nucleotide variant.
Coding change: c.7214G>A on transcript NM_001148.6 (MANE Select); coding-DNA position 7214, G replaced by A.
Protein change: p.Ser2405Asn; replaces serine 2405 with asparagine.
Molecular consequence: missense variant. On other transcripts: intron variant (68).
Genome position (GRCh38, 1-based): chr4:113,355,832, G>A. VCF-style: chr4-113355832-G-A. GRCh37 (hg19) VCF-style: chr4-114276988-G-A.
Other names: c.4193-4991G>A (NM_001354274.2, NM_001386154.1); c.4142-4991G>A (NM_001386151.1, NM_001354260.2, NM_001354271.2); c.4043-4991G>A (NM_001386157.1, NM_001354277.2); c.4361-4991G>A (NM_001386161.1, NM_001354244.2, NM_001354256.2); c.4286-4991G>A (NM_001354261.2); c.4166-4991G>A (NM_001386156.1, NM_001354257.2); c.4262-4991G>A (NM_001354264.2); c.4241-4991G>A (NM_001354267.2, NM_001386162.1, NM_001354249.2 and 2 more transcripts); and 35 more; short protein forms S1205N, S2327N, S2405N, S2444N, S2452N.
Identifiers: ClinVar variation 4857893 (VCV004857893.1).